The following is an entry in ClinVar:

ClinVar aggregate classification (germline): Uncertain significance (1 of 4 stars; one submission).

Submission:

GeneDx
Classification: Uncertain significance. Last evaluated: 2024-02-23. Review status: criteria provided, single submitter. Criteria: GeneDx Variant Classification Process June 2021. Collection method: clinical testing. Allele origin: germline. Affected: yes.
Comment: Not observed at significant frequency in large population cohorts (gnomAD); In silico analysis supports that this missense variant has a deleterious effect on protein structure/function; This substitution is predicted to be within the transmembrane segment S3 of the third homologous domain; Has not been previously published as pathogenic or benign to our knowledge

NM_001330260.2(SCN8A):c.3835C>T (p.Leu1279Phe)

Gene: SCN8A (sodium voltage-gated channel alpha subunit 8; plus strand). Cytogenetic location: 12q13.13.
Variant type: single nucleotide variant.
Coding change: c.3835C>T on transcript NM_001330260.2 (MANE Select); coding-DNA position 3835, C replaced by T.
Protein change: p.Leu1279Phe; replaces leucine 1279 with phenylalanine.
Molecular consequence: missense variant. On other transcripts: intron variant (2).
Genome position (GRCh38, 1-based): chr12:51,780,664, C>T. VCF-style: chr12-51780664-C-T. GRCh37 (hg19) VCF-style: chr12-52174448-C-T.
Other names: c.3835C>T, p.Leu1279Phe (NM_014191.4); c.3820-5878C>T (NM_001177984.3, NM_001369788.1); short protein forms L1279F.
Identifiers: ClinVar variation 3369307 (VCV003369307.1).
Genomic context (GRCh38, chr12:51,780,664, plus strand): 5'-TGGTTACCTTTTTTGTTTTTGTTTTTCTCTTCTGTTTCTGTGTAGGTCTCTTTAGTCAGC[C>T]TTATAGCTAATGCCCTGGGCTACTCGGAACTAGGTGCCATAAAGTCCCTTAGGACCCTAA-3'
Protein context (NP_001317189.1, residues 1269-1289): FLIVAVSLVS[Leu1279Phe]IANALGYSEL